The following is an entry in ClinVar:

ClinVar aggregate classification (germline): Uncertain significance (1 of 4 stars; one submission).

Conditions:
Gorlin syndrome. Also called: Nevoid Basal Cell Carcinoma Syndrome; Basal cell nevus syndrome. Identifiers: Orphanet 377, MedGen C0004779, MONDO:0007187.

Submission:

Labcorp Genetics (formerly Invitae), Labcorp
Classification: Uncertain significance for Gorlin syndrome. Last evaluated: 2014-05-13. Review status: criteria provided, single submitter. Criteria: Invitae Variant Classification Sherloc (09022015). Collection method: clinical testing. Allele origin: germline.
Comment: This sequence change has not been reported in affected patients, and has not been reported as a common polymorphism in the population. This substitution affects a poorly conserved amino acid. Algorithms developed to predict the effect of missense changes on protein structure and function (SIFT, MutationTaster, AlignGVGD) suggest that this sequence change is likely to be tolerated, but these predictions have not been confirmed by functional studies. Indirect and predictive evidence suggest that this sequence change does not affect protein function, but these predictions have not been confirmed by functional studies.

NM_000264.5(PTCH1):c.79C>G (p.Pro27Ala)

Genes: PTCH1 (patched 1; minus strand), LOC130002133 (ATAC-STARR-seq lymphoblastoid silent region 20071; plus strand). Cytogenetic location: 9q22.32.
Variant type: single nucleotide variant.
Coding change: c.79C>G on transcript NM_000264.5 (MANE Select); coding-DNA position 79, C replaced by G.
Protein change: p.Pro27Ala; replaces proline 27 with alanine.
Molecular consequence: missense variant. On other transcripts: non-coding transcript variant (1), intron variant (3).
Genome position (GRCh38, 1-based): chr9:95,508,283, G>C on the plus strand (C>G on the coding strand, the complement: PTCH1 is on the minus strand). VCF-style: chr9-95508283-G-C. GRCh37 (hg19) VCF-style: chr9-98270565-G-C.
Other names: c.79C>G, p.Pro27Ala (NM_001354918.2); c.199-1684C>G (NM_001083603.3); c.4-1684C>G (NM_001083602.3, NM_001354919.2); short protein forms P27A.
Identifiers: ClinVar variation 1016188 (VCV001016188.9), dbSNP rs1245076183, ClinGen allele CA374121465.
Genomic context (GRCh38, chr9:95,508,283, plus strand): 5'-GGTCCGGCGCGGCAGCACGGCGCAGCCCCCCCGTCCGTCTGCGCCTCCCGCCTCCAGCCG[G>C]CCGTCCCGGGGCACCGATACAGCCGCTGCCGCCGCCGCCGCGGTCCTGGGGCTCGGCGGC-3'
Protein context (NP_000255.2, residues 17-37): GSGCIGAPGR[Pro27Ala]AGGGRRRRTG